The following is an entry in ClinVar:

NM_000089.4(COL1A2):c.2349+16G>C

Gene: COL1A2 (collagen type I alpha 2 chain; plus strand). Cytogenetic location: 7q21.3.
Variant type: single nucleotide variant.
Coding change: c.2349+16G>C on transcript NM_000089.4 (MANE Select); 16 bases into the intron after coding-DNA position 2349, G replaced by C.
Molecular consequence: intron variant.
Genome position (GRCh38, 1-based): chr7:94,421,078, G>C. VCF-style: chr7-94421078-G-C. GRCh37 (hg19) VCF-style: chr7-94050390-G-C.
Identifiers: ClinVar variation 390393 (VCV000390393.21), dbSNP rs112603291, ClinGen allele CA4347398.
Genomic context (GRCh38, chr7:94,421,078, plus strand): 5'-GGTCCCCCCGGTCCTGCTGGAAGTCGTGGTGATGGAGGCCCCCCTGTGAGTATTTACAAT[G>C]GACTCTCGCCGCTTTTCTTTTTTCAGAATCTATTAAGGACACTTGAAAGTTTTGAAATTT-3'

ClinVar aggregate classification (germline): Benign/Likely benign. Review status: criteria provided, multiple submitters, no conflicts (2 of 4 stars). 5 submissions from 5 submitters: Benign (3); Likely benign (2). Last evaluated 2026-01-23.

Conditions:
Ehlers-Danlos syndrome, classic type, 1 (EDSCL1). Also called: Ehlers-Danlos syndrome, type 1; Ehlers-Danlos Syndrome, Classic Type, COL5A1-Related; EDS I; EHLERS-DANLOS SYNDROME, GRAVIS TYPE; EHLERS-DANLOS SYNDROME, SEVERE CLASSIC TYPE. Identifiers: MedGen C0268335, MONDO:0019567, OMIM 130000.
Osteogenesis imperfecta type I (OI1). Also called: Lobstein's Disease; Lobstein disease; OI, TYPE I; OSTEOGENESIS IMPERFECTA TARDA; OSTEOGENESIS IMPERFECTA WITH BLUE SCLERAE; Osteogenesis imperfecta type 1. Identifiers: Orphanet 216796, Orphanet 666, MedGen C0023931, MONDO:0008146, OMIM 166200. Disease mechanism: loss of function.

Allele frequency attached by ClinVar (database versions not stated): gnomAD exomes 0.00038 and 0.00098; ExAC 0.00104; ESP Exome Variant Server 0.00277; gnomAD 0.00382 and 0.00405; TOPMed 0.00419; 1000 Genomes Project 30x 0.00468; 1000 Genomes Project 0.00479.
gnomAD v4.1: 1,172 of 1,613,732 alleles (0.073%); highest among the groups gnomAD compares: African/African-American, 1.4%; 9 homozygotes.

Submissions (5):

Labcorp Genetics (formerly Invitae), Labcorp
Classification: Benign for Osteogenesis imperfecta type I; Ehlers-Danlos syndrome, classic type, 1. Last evaluated: 2026-01-23. Review status: criteria provided, single submitter. Criteria: Invitae Variant Classification Sherloc (09022015). Collection method: clinical testing. Allele origin: germline.

Blueprint Genetics
Classification: Likely benign. Last evaluated: 2024-07-01. Review status: criteria provided, single submitter. Criteria: ACMG Guidelines, 2015. Collection method: clinical testing. Allele origin: germline.

Athena Diagnostics
Classification: Benign. Last evaluated: 2024-04-04. Review status: criteria provided, single submitter. Criteria: Athena Diagnostics Criteria. Collection method: clinical testing. Allele origin: unknown.

ARUP Laboratories, Molecular Genetics and Genomics, ARUP Laboratories
Classification: Benign. Last evaluated: 2020-10-18. Review status: criteria provided, single submitter. Criteria: ARUP Molecular Germline Variant Investigation Process 2021. Collection method: clinical testing. Allele origin: germline.

GeneDx
Classification: Likely benign. Last evaluated: 2016-10-19. Review status: criteria provided, single submitter. Criteria: GeneDx Variant Classification (06012015). Collection method: clinical testing. Allele origin: germline. Affected: yes.
Comment: This variant is considered likely benign or benign based on one or more of the following criteria: it is a conservative change, it occurs at a poorly conserved position in the protein, it is predicted to be benign by multiple in silico algorithms, and/or has population frequency not consistent with disease.